The following is an entry in ClinVar:

ClinVar aggregate classification (germline): Uncertain significance. Review status: criteria provided, multiple submitters, no conflicts (2 of 4 stars). 2 submissions from 2 submitters: Uncertain significance (2). Last evaluated 2025-03-14.

Conditions:
Inborn genetic diseases. Identifiers: MedGen C0950123, MeSH D030342.

Allele frequency attached by ClinVar (database versions not stated): gnomAD exomes 0.00013; ExAC 0.00023; ESP Exome Variant Server 0.00023.
gnomAD v4.1: 210 of 1,609,826 alleles (0.013%); highest among the groups gnomAD compares: East Asian, 0.042%; 1 homozygote.

Submissions (2):

Women's Health and Genetics/Laboratory Corporation of America, LabCorp
Classification: Uncertain significance. Last evaluated: 2025-03-14. Review status: criteria provided, single submitter. Criteria: LabCorp Variant Classification Summary - May 2015. Collection method: clinical testing. Allele origin: germline.
Comment: Variant summary: IGFALS c.923G>A (p.Arg308His) results in a non-conservative amino acid change in the encoded protein sequence. Three of five in-silico tools predict a damaging effect of the variant on protein function. The variant allele was found at a frequency of 0.00019 in 241308 control chromosomes. This frequency is not significantly higher than estimated for a pathogenic variant in IGFALS causing Short Stature Due To Primary Acid-Labile Subunit Deficiency, allowing no conclusion about variant significance. To our knowledge, no occurrence of c.923G>A in individuals affected with Short Stature Due To Primary Acid-Labile Subunit Deficiency and no experimental evidence demonstrating its impact on protein function have been reported. ClinVar contains an entry for this variant (Variation ID: 2328149). Based on the evidence outlined above, the variant was classified as uncertain significance.

Ambry Genetics
Classification: Uncertain significance for Inborn genetic diseases. Last evaluated: 2022-05-09. Review status: criteria provided, single submitter. Criteria: Ambry Variant Classification Scheme 2023. Collection method: clinical testing. Allele origin: germline.

NM_004970.3(IGFALS):c.923G>A (p.Arg308His)

Gene: IGFALS (insulin like growth factor binding protein acid labile subunit; minus strand). Cytogenetic location: 16p13.3.
Variant type: single nucleotide variant.
Coding change: c.923G>A on transcript NM_004970.3 (MANE Select); coding-DNA position 923, G replaced by A.
Protein change: p.Arg308His; replaces arginine 308 with histidine.
Molecular consequence: missense variant. On other transcripts: non-coding transcript variant (1).
Genome position (GRCh38, 1-based): chr16:1,791,495, C>T on the plus strand (G>A on the coding strand, the complement: IGFALS is on the minus strand). VCF-style: chr16-1791495-C-T. GRCh37 (hg19) VCF-style: chr16-1841496-C-T.
Other names: c.1037G>A, p.Arg346His (NM_001146006.2); short protein forms R308H, R346H.
Identifiers: ClinVar variation 2328149 (VCV002328149.3), dbSNP rs201622145, ClinGen allele CA7820454.